The following is an entry in ClinVar:

ClinVar aggregate classification (germline): Uncertain significance (1 of 4 stars; one submission).

Conditions:
Developmental and epileptic encephalopathy, 53. Also called: Epileptic encephalopathy, early infantile, 53. Identifiers: MedGen C4479313, MONDO:0033362, OMIM 617389.
Early-onset Parkinson disease 20. Also called: PARKINSON DISEASE 20, AUTOSOMAL RECESSIVE EARLY-ONSET. Identifiers: Orphanet 391411, MedGen C3809824, MONDO:0014233, OMIM 615530.

Submission:

Labcorp Genetics (formerly Invitae), Labcorp
Classification: Uncertain significance for Developmental and epileptic encephalopathy, 53; Early-onset Parkinson disease 20. Last evaluated: 2022-06-22. Review status: criteria provided, single submitter. Criteria: Invitae Variant Classification Sherloc (09022015). Collection method: clinical testing. Allele origin: germline.
Comment: Experimental studies and prediction algorithms are not available or were not evaluated, and the functional significance of this variant is currently unknown. In summary, the available evidence is currently insufficient to determine the role of this variant in disease. Therefore, it has been classified as a Variant of Uncertain Significance. This variant has not been reported in the literature in individuals affected with SYNJ1-related conditions. This variant, c.391_393del, results in the deletion of 1 amino acid(s) of the SYNJ1 protein (p.Glu131del), but otherwise preserves the integrity of the reading frame. This variant is not present in population databases (gnomAD no frequency).

NM_203446.3(SYNJ1):c.274_276del (p.Glu92del)

Gene: SYNJ1 (synaptojanin 1; minus strand). Cytogenetic location: 21q22.11.
Variant type: Deletion.
Coding change: c.274_276del on transcript NM_203446.3 (MANE Select); coding-DNA positions 274 to 276, 3 bases deleted (GAA; older notation c.274_276delGAA).
Protein change: p.Glu92del; deletes glutamic acid 92.
Molecular consequence: inframe deletion. On other transcripts: inframe indel (2).
Genome position (GRCh38, 1-based): chr21:32,700,041-32,700,043, TTC deleted on the plus strand (GAA on the coding strand, the reverse complement: SYNJ1 is on the minus strand); deleting any 3 consecutive bases within chr21:32,700,041-32,700,045 gives the same sequence; the c. name uses the placement nearest the transcript's 3' end. VCF-style (leftmost placement, unchanged base first): chr21-32700040-ATTC-A. GRCh37 (hg19) VCF-style: chr21-34072350-ATTC-A.
Other names: c.272_274delAAG, p.Glu92del (NM_001160302.2); c.274_276del, p.Glu92del (NM_001160306.2); c.389_391delAAG, p.Glu131del (NM_003895.4); short protein forms E131del, E92del.
Identifiers: ClinVar variation 2009226 (VCV002009226.4), dbSNP rs2516877676, ClinGen allele CA2580098658.